The following is an entry in ClinVar:

NM_007294.4(BRCA1):c.5547G>C (p.Glu1849Asp)

Gene: BRCA1 (BRCA1 DNA repair associated; minus strand). Cytogenetic location: 17q21.31.
Variant type: single nucleotide variant.
Coding change: c.5547G>C on transcript NM_007294.4 (MANE Select); coding-DNA position 5547, G replaced by C.
Protein change: p.Glu1849Asp; replaces glutamic acid 1849 with aspartic acid.
Molecular consequence: missense variant. On other transcripts: 3 prime UTR variant (1), non-coding transcript variant (1).
Genome position (GRCh38, 1-based): chr17:43,045,723, C>G on the plus strand (G>C on the coding strand, the complement: BRCA1 is on the minus strand). VCF-style: chr17-43045723-C-G. GRCh37 (hg19) VCF-style: chr17-41197740-C-G.
Other names: c.5334G>C, p.Glu1778Asp (NM_001407900.1, NM_001407902.1, NM_001407571.1 and 12 more transcripts); c.5295G>C, p.Glu1765Asp (NM_001407919.1); c.5283G>C, p.Glu1761Asp (NM_001407920.1, NM_001407921.1, NM_001407922.1 and 4 more transcripts); c.5280G>C, p.Glu1760Asp (NM_001407927.1, NM_001407928.1, NM_001407929.1 and 4 more transcripts); c.5277G>C, p.Glu1759Asp (NM_001407934.1, NM_001407935.1, NM_001407936.1); c.*61G>C (NM_001407937.1, NM_001407938.1, NM_001407939.1 and 14 more transcripts); c.5214G>C, p.Glu1738Asp (NM_001407946.1, NM_001407947.1, NM_001407948.1 and 1 more transcripts); c.5211G>C, p.Glu1737Asp (NM_001407950.1, NM_001407951.1, NM_001407952.1 and 3 more transcripts); and 74 more; short protein forms E1802D, E1870D, E745D, E1849D, E1721D, E1760D, E1778D, E1800D.
Identifiers: ClinVar variation 865002 (VCV000865002.3), dbSNP rs1426388214, ClinGen allele CA10590227.

Conditions:
Breast-ovarian cancer, familial, susceptibility to, 1 (BROVCA1). Also called: BRCA1 Hereditary Breast and Ovarian Cancer; OVARIAN CANCER, SUSCEPTIBILITY TO. Identifiers: Orphanet 145, MedGen C2676676, MONDO:0011450, OMIM 604370. Disease mechanism: loss of function.

Submission:

Brotman Baty Institute, University of Washington
No classification provided (evidence only). Condition: Breast-ovarian cancer, familial 1. Review status: no classification provided. Collection method: in vitro. Allele origin: not applicable. Functional consequence: functionally_normal.
ClinVar note: "not provided" was previously submitted as the classification for the variant. However, the classification appeared to be based only on an observation of functional data so it was converted to no classification on 2025-07-30.